The following is an entry in ClinVar:

NM_001429.4(EP300):c.6964C>T (p.Pro2322Ser)

Gene: EP300 (E1A binding protein p300; plus strand). Cytogenetic location: 22q13.2.
Variant type: single nucleotide variant.
Coding change: c.6964C>T on transcript NM_001429.4 (MANE Select); coding-DNA position 6964, C replaced by T.
Protein change: p.Pro2322Ser; replaces proline 2322 with serine.
Molecular consequence: missense variant.
Genome position (GRCh38, 1-based): chr22:41,178,675, C>T. VCF-style: chr22-41178675-C-T. GRCh37 (hg19) VCF-style: chr22-41574679-C-T.
Other names: c.6886C>T, p.Pro2296Ser (NM_001362843.2); short protein forms P2296S, P2322S.
Identifiers: ClinVar variation 3392867 (VCV003392867.1).

ClinVar aggregate classification (germline): Uncertain significance (1 of 4 stars; one submission).

gnomAD v4.1: 6 of 1,614,094 alleles (0.00037%); highest among the groups gnomAD compares: Non-Finnish European, 0.00051%; no homozygotes.

Submission:

GeneDx
Classification: Uncertain significance. Last evaluated: 2024-06-25. Review status: criteria provided, single submitter. Criteria: GeneDx Variant Classification Process June 2021. Collection method: clinical testing. Allele origin: germline. Affected: yes.
Comment: Not observed at significant frequency in large population cohorts (gnomAD); In silico analysis supports that this missense variant has a deleterious effect on protein structure/function; Has not been previously published as pathogenic or benign to our knowledge